The following is an entry in ClinVar:

NM_000059.4(BRCA2):c.9245_9251del (p.Val3082fs)

Gene: BRCA2 (BRCA2 DNA repair associated; plus strand). Cytogenetic location: 13q13.1.
Variant type: Deletion.
Coding change: c.9245_9251del on transcript NM_000059.4 (MANE Select); coding-DNA positions 9245 to 9251, 7 bases deleted (TGAAAAA; older notation c.9245_9251delTGAAAAA).
Protein change: p.Val3082fs; shifts the reading frame from valine 3082.
Molecular consequence: frameshift variant.
Genome position (GRCh38, 1-based): chr13:32,380,134-32,380,140, TGAAAAA deleted. VCF-style (leftmost placement, unchanged base first): chr13-32380133-GTGAAAAA-G. GRCh37 (hg19) VCF-style: chr13-32954270-GTGAAAAA-G.
Other names: short protein forms V3082fs.
Identifiers: ClinVar variation 1329997 (VCV001329997.1), dbSNP rs2137625817, ClinGen allele CA2573053829.

ClinVar aggregate classification (germline): Pathogenic (1 of 4 stars; one submission).

Submission:

Quest Diagnostics Nichols Institute San Juan Capistrano
Classification: Pathogenic. Last evaluated: 2020-09-15. Review status: criteria provided, single submitter. Criteria: Quest Diagnostics criteria. Collection method: clinical testing. Allele origin: unknown.
Comment: This frameshift variant alters the translational reading frame of the BRCA2 mRNA and causes the premature termination of BRCA2 protein synthesis. To the best of our knowledge, the variant has not been reported in the published literature. This variant has not been reported in large, multi-ethnic general populations. Based on the available information, the variant is classified as pathogenic.